The following is an entry in ClinVar:

ClinVar aggregate classification (germline): Uncertain significance. Review status: criteria provided, multiple submitters, no conflicts (2 of 4 stars). 2 submissions from 2 submitters: Uncertain significance (2). Last evaluated 2025-04-13.

Conditions:
Granulomatous disease, chronic, autosomal recessive, cytochrome b-positive, type 3. Also called: GRANULOMATOUS DISEASE, CHRONIC, AUTOSOMAL RECESSIVE, 3; CGD, AUTOSOMAL RECESSIVE CYTOCHROME b-POSITIVE, TYPE III; GRANULOMATOUS DISEASE, CHRONIC, DUE TO NCF4 DEFICIENCY; Granulomatous disease, chronic, autosomal recessive, cytochrome b-positive, type III. Identifiers: Orphanet 379, MedGen C3151409, MONDO:0013507, OMIM 613960.

Allele frequency attached by ClinVar (database versions not stated): gnomAD exomes below 0.00001 and 0.00002; ExAC 0.00002; TOPMed 0.00005; gnomAD 0.00007; 1000 Genomes Project 30x 0.00016; 1000 Genomes Project 0.00020.
gnomAD v4.1: 16 of 1,614,170 alleles (0.00099%); highest among the groups gnomAD compares: African/African-American, 0.019%; 1 homozygote.

Submissions (2):

Ambry Genetics
Classification: Uncertain significance. Last evaluated: 2025-04-13. Review status: criteria provided, single submitter. Criteria: Ambry Variant Classification Scheme 2023. Collection method: clinical testing. Allele origin: germline.

Labcorp Genetics (formerly Invitae), Labcorp
Classification: Uncertain significance for Granulomatous disease, chronic, autosomal recessive, cytochrome b-positive, type 3. Last evaluated: 2022-01-13. Review status: criteria provided, single submitter. Criteria: Invitae Variant Classification Sherloc (09022015). Collection method: clinical testing. Allele origin: germline.
Comment: This sequence change replaces asparagine, which is neutral and polar, with serine, which is neutral and polar, at codon 25 of the NCF4 protein (p.Asn25Ser). This variant is present in population databases (rs573525247, gnomAD 0.03%), including at least one homozygous and/or hemizygous individual. This variant has not been reported in the literature in individuals affected with NCF4-related conditions. Algorithms developed to predict the effect of missense changes on protein structure and function (SIFT, PolyPhen-2, Align-GVGD) all suggest that this variant is likely to be tolerated. Algorithms developed to predict the effect of sequence changes on RNA splicing suggest that this variant may create or strengthen a splice site. In summary, the available evidence is currently insufficient to determine the role of this variant in disease. Therefore, it has been classified as a Variant of Uncertain Significance.

NM_000631.5(NCF4):c.74A>G (p.Asn25Ser)

Genes: NCF4-AS1 (NCF4 antisense RNA 1; minus strand), NCF4 (neutrophil cytosolic factor 4; plus strand). Cytogenetic location: 22q12.3.
Variant type: single nucleotide variant.
Coding change: c.74A>G on transcript NM_000631.5 (MANE Select); coding-DNA position 74, A replaced by G.
Protein change: p.Asn25Ser; replaces asparagine 25 with serine.
Molecular consequence: missense variant.
Genome position (GRCh38, 1-based): chr22:36,864,086, A>G. VCF-style: chr22-36864086-A-G. GRCh37 (hg19) VCF-style: chr22-37260128-A-G.
Other names: c.74A>G (NM_013416.3); c.74A>G, p.Asn25Ser (NM_013416.4); short protein forms N25S.
Identifiers: ClinVar variation 1412668 (VCV001412668.6), dbSNP rs573525247, ClinGen allele CA10212823.